The following is an entry in ClinVar:

NM_020800.3(IFT80):c.751A>T (p.Thr251Ser)

Genes: TRIM59-IFT80 (TRIM59-IFT80 readthrough (NMD candidate); minus strand), IFT80 (intraflagellar transport 80; minus strand). Cytogenetic location: 3q25.33.
Variant type: single nucleotide variant.
Coding change: c.751A>T on transcript NM_020800.3 (MANE Select); coding-DNA position 751, A replaced by T.
Protein change: p.Thr251Ser; replaces threonine 251 with serine.
Molecular consequence: missense variant. On other transcripts: non-coding transcript variant (3).
Genome position (GRCh38, 1-based): chr3:160,356,039, T>A on the plus strand (A>T on the coding strand, the complement: IFT80 is on the minus strand). VCF-style: chr3-160356039-T-A. GRCh37 (hg19) VCF-style: chr3-160073827-T-A.
Other names: c.340A>T, p.Thr114Ser (NM_001190241.2, NM_001190242.2); short protein forms T251S, T114S.
Identifiers: ClinVar variation 1410979 (VCV001410979.6), dbSNP rs2108360118, ClinGen allele CA355192726.

ClinVar aggregate classification (germline): Uncertain significance (1 of 4 stars; one submission).

Conditions:
Jeune thoracic dystrophy. Also called: Short-rib thoracic dysplasia; Infantile thoracic dystrophy; Thoracic pelvic phalangeal dystrophy; Jeune's syndrome; Chondroectodermal dysplasia-like syndrome; Jeune syndrome. Identifiers: Orphanet 474, MedGen C0265275, MONDO:0018770.

Submission:

Labcorp Genetics (formerly Invitae), Labcorp
Classification: Uncertain significance for Jeune thoracic dystrophy. Last evaluated: 2021-10-19. Review status: criteria provided, single submitter. Criteria: Invitae Variant Classification Sherloc (09022015). Collection method: clinical testing. Allele origin: germline.
Comment: In summary, the available evidence is currently insufficient to determine the role of this variant in disease. Therefore, it has been classified as a Variant of Uncertain Significance. Algorithms developed to predict the effect of missense changes on protein structure and function are either unavailable or do not agree on the potential impact of this missense change (SIFT: "Tolerated"; PolyPhen-2: "Possibly Damaging"; Align-GVGD: "Class C0"). This variant has not been reported in the literature in individuals affected with IFT80-related conditions. This variant is not present in population databases (ExAC no frequency). This sequence change replaces threonine with serine at codon 251 of the IFT80 protein (p.Thr251Ser). The threonine residue is highly conserved and there is a small physicochemical difference between threonine and serine.